The following is an entry in ClinVar:

ClinVar aggregate classification (germline): Conflicting classifications of pathogenicity. Review status: criteria provided, conflicting classifications (1 of 4 stars). 6 submissions from 6 submitters: Uncertain significance (3); Likely benign (2). 1 of the submissions does not count toward it. Last evaluated 2026-10-06.

Conditions:
BBS9-related disorder. Also called: BBS9-related condition.
Bardet-Biedl syndrome (BBS). Identifiers: Orphanet 110, MedGen C0752166, MONDO:0015229.

Allele frequency attached by ClinVar (database versions not stated): 1000 Genomes Project 30x 0.00016; 1000 Genomes Project 0.00020; gnomAD 0.00072 and 0.00081; TOPMed 0.00083; gnomAD exomes 0.00021; ExAC 0.00027; ESP Exome Variant Server 0.00100.
gnomAD v4.1: 198 of 1,614,102 alleles (0.012%); highest among the groups gnomAD compares: African/African-American, 0.24%; 1 homozygote.

Submissions (6):

GeneDx
Classification: Uncertain significance. Last evaluated: 2026-10-06. Review status: criteria provided, single submitter. Criteria: GeneDx Variant Classification Process June 2021. Collection method: clinical testing. Allele origin: germline.
Comment: In silico analysis supports that this missense variant has a deleterious effect on protein structure/function; Has not been previously published as pathogenic or benign to our knowledge

Labcorp Genetics (formerly Invitae), Labcorp
Classification: Likely benign for Bardet-Biedl syndrome. Last evaluated: 2026-01-26. Review status: criteria provided, single submitter. Criteria: Invitae Variant Classification Sherloc (09022015). Collection method: clinical testing. Allele origin: germline.

Genetic Services Laboratory, University of Chicago
Classification: Uncertain significance. Last evaluated: 2025-12-03. Review status: criteria provided, single submitter. Criteria: ACMG Guidelines, 2015. Collection method: clinical testing. Allele origin: germline.
Comment: DNA sequence analysis of the BBS9 gene demonstrated a sequence change, c.2105C>A, in exon 19 that results in an amino acid change, p.Thr702Asn. This sequence change has been described in the gnomAD database with a frequency of 0.24% in the African/African American subpopulation (dbSNP rs149362446). The p.Thr702Asn change affects a highly conserved amino acid residue located in a domain of the BBS9 protein that is not known to be functional. In-silico pathogenicity prediction tools (SIFT, PolyPhen2, Align GVGD, REVEL) provide contradictory results for the p.Thr702Asn substitution. This sequence change does not appear to have been previously described in individuals with BBS9-related disorders. Due to insufficient evidences and the lack of functional studies, the clinical significance of the p.Thr702Asn change remains unknown at this time.

Blueprint Genetics
Classification: Likely benign. Last evaluated: 2024-09-05. Review status: criteria provided, single submitter. Criteria: ACMG Guidelines, 2015. Collection method: clinical testing. Allele origin: germline.

Eurofins Ntd Llc (ga)
Classification: Uncertain significance. Last evaluated: 2018-03-29. Review status: criteria provided, single submitter. Criteria: EGL ClinVar v180209 classification definitions. Collection method: clinical testing. Allele origin: germline. Observed: 3 variant alleles, 3 heterozygotes.

PreventionGenetics, part of Exact Sciences
Classification: Likely benign for BBS9-related condition. Last evaluated: 2020-02-25. Review status: no assertion criteria provided. Collection method: clinical testing. Allele origin: germline. Not counted in ClinVar's aggregate classification.
Comment: This variant is classified as likely benign based on ACMG/AMP sequence variant interpretation guidelines (Richards et al. 2015 PMID: 25741868, with internal and published modifications).

NM_198428.3(BBS9):c.2105C>A (p.Thr702Asn)

Gene: BBS9 (Bardet-Biedl syndrome 9; plus strand). Cytogenetic location: 7p14.3.
Variant type: single nucleotide variant.
Coding change: c.2105C>A on transcript NM_198428.3 (MANE Select); coding-DNA position 2105, C replaced by A.
Protein change: p.Thr702Asn; replaces threonine 702 with asparagine.
Molecular consequence: missense variant. On other transcripts: non-coding transcript variant (3).
Genome position (GRCh38, 1-based): chr7:33,388,134, C>A. VCF-style: chr7-33388134-C-A. GRCh37 (hg19) VCF-style: chr7-33427746-C-A.
Other names: c.2000C>A, p.Thr667Asn (NM_001033604.2); c.2090C>A, p.Thr697Asn (NM_001033605.2); c.2105C>A, p.Thr702Asn (NM_001348036.1, NM_001348041.4, NM_001348043.3 and 1 more transcripts); c.1739C>A, p.Thr580Asn (NM_001348037.3, NM_001348045.3, NM_001348046.3); c.1832C>A, p.Thr611Asn (NM_001348038.3); c.1727C>A, p.Thr576Asn (NM_001348039.3); c.1985C>A, p.Thr662Asn (NM_001348040.3, NM_014451.4); c.1970C>A, p.Thr657Asn (NM_001348042.3); and 1 more; short protein forms T702N, T545N, T576N, T611N, T580N, T662N, T667N, T657N.
Identifiers: ClinVar variation 194995 (VCV000194995.23), dbSNP rs149362446, ClinGen allele CA241249.